The following is an entry in ClinVar:

ClinVar aggregate classification (germline): Uncertain significance. Review status: criteria provided, multiple submitters, no conflicts (2 of 4 stars). 2 submissions from 2 submitters: Uncertain significance (2). Last evaluated 2025-06-09.

Conditions:
DOCK2 deficiency. Also called: Immunodeficiency 40. Identifiers: Orphanet 447737, MedGen C4225328, MONDO:0014637, OMIM 616433.
Inborn genetic diseases. Identifiers: MedGen C0950123, MeSH D030342.

Allele frequency attached by ClinVar (database versions not stated): ExAC 0.00014; TOPMed 0.00039; 1000 Genomes Project 0.00120; 1000 Genomes Project 30x 0.00187; gnomAD exomes 0.00012 and 0.00004; gnomAD 0.00034; ESP Exome Variant Server 0.00046.
gnomAD v4.1: 118 of 1,612,778 alleles (0.0073%); highest among the groups gnomAD compares: African/African-American, 0.14%; no homozygotes.

Submissions (2):

Ambry Genetics
Classification: Uncertain significance for Inborn genetic diseases. Last evaluated: 2025-06-09. Review status: criteria provided, single submitter. Criteria: Ambry Variant Classification Scheme 2023. Collection method: clinical testing. Allele origin: germline.

Labcorp Genetics (formerly Invitae), Labcorp
Classification: Uncertain significance for DOCK2 deficiency. Last evaluated: 2024-10-26. Review status: criteria provided, single submitter. Criteria: Invitae Variant Classification Sherloc (09022015). Collection method: clinical testing. Allele origin: germline.
Comment: This sequence change replaces aspartic acid, which is acidic and polar, with glycine, which is neutral and non-polar, at codon 1775 of the DOCK2 protein (p.Asp1775Gly). This variant is present in population databases (rs58570833, gnomAD 0.1%). This variant has not been reported in the literature in individuals affected with DOCK2-related conditions. ClinVar contains an entry for this variant (Variation ID: 839585). An algorithm developed to predict the effect of missense changes on protein structure and function (PolyPhen-2) suggests that this variant¬†is likely to be tolerated. Algorithms developed to predict the effect of sequence changes on RNA splicing suggest that this variant may create or strengthen a splice site. In summary, the available evidence is currently insufficient to determine the role of this variant in disease. Therefore, it has been classified as a Variant of Uncertain Significance.

NM_004946.3(DOCK2):c.5324A>G (p.Asp1775Gly)

Gene: DOCK2 (dedicator of cytokinesis 2; plus strand). Cytogenetic location: 5q35.1.
Variant type: single nucleotide variant.
Coding change: c.5324A>G on transcript NM_004946.3 (MANE Select); coding-DNA position 5324, A replaced by G.
Protein change: p.Asp1775Gly; replaces aspartic acid 1775 with glycine.
Molecular consequence: missense variant. On other transcripts: non-coding transcript variant (1).
Genome position (GRCh38, 1-based): chr5:170,081,878, A>G. VCF-style: chr5-170081878-A-G. GRCh37 (hg19) VCF-style: chr5-169508882-A-G.
Other names: short protein forms D1775G.
Identifiers: ClinVar variation 839585 (VCV000839585.7), dbSNP rs58570833, ClinGen allele CA3554853.